The following is an entry in ClinVar:

ClinVar aggregate classification (germline): Uncertain significance. Review status: criteria provided, multiple submitters, no conflicts (2 of 4 stars). 2 submissions from 2 submitters: Uncertain significance (2). Last evaluated 2025-03-14.

Conditions:
Inborn genetic diseases. Identifiers: MedGen C0950123, MeSH D030342.

Allele frequency attached by ClinVar (database versions not stated): ExAC 0.00002; 1000 Genomes Project 30x 0.00016; 1000 Genomes Project 0.00020.
gnomAD v4.1: 34 of 1,598,974 alleles (0.0021%); highest among the groups gnomAD compares: East Asian, 0.0022%; no homozygotes.

Submissions (2):

Ambry Genetics
Classification: Uncertain significance for Inborn genetic diseases. Last evaluated: 2025-03-14. Review status: criteria provided, single submitter. Criteria: Ambry Variant Classification Scheme 2023. Collection method: clinical testing. Allele origin: germline.

Labcorp Genetics (formerly Invitae), Labcorp
Classification: Uncertain significance. Last evaluated: 2023-12-21. Review status: criteria provided, single submitter. Criteria: Invitae Variant Classification Sherloc (09022015). Collection method: clinical testing. Allele origin: germline.
Comment: This sequence change replaces glycine, which is neutral and non-polar, with valine, which is neutral and non-polar, at codon 23 of the RBPJ protein (p.Gly23Val). This variant is present in population databases (rs539980485, gnomAD 0.06%). This variant has not been reported in the literature in individuals affected with RBPJ-related conditions. An algorithm developed to predict the effect of missense changes on protein structure and function (PolyPhen-2) suggests that this variant is likely to be tolerated. In summary, the available evidence is currently insufficient to determine the role of this variant in disease. Therefore, it has been classified as a Variant of Uncertain Significance.

NM_015874.6(RBPJ):c.29G>T (p.Gly10Val)

Gene: RBPJ (recombination signal binding protein for immunoglobulin kappa J region; plus strand). Cytogenetic location: 4p15.2.
Variant type: single nucleotide variant.
Coding change: c.29G>T on transcript NM_015874.6 (MANE Select); coding-DNA position 29, G replaced by T.
Protein change: p.Gly10Val; replaces glycine 10 with valine.
Molecular consequence: missense variant. On other transcripts: 5 prime UTR variant (2).
Genome position (GRCh38, 1-based): chr4:26,386,361, G>T. VCF-style: chr4-26386361-G-T. GRCh37 (hg19) VCF-style: chr4-26387983-G-T.
Other names: c.68G>T (NM_005349.2); c.-38G>T (NM_001363577.2, NM_203283.5); c.68G>T, p.Gly23Val (NM_001374400.1, NM_001379408.1, NM_005349.4); c.26G>T, p.Gly9Val (NM_001374401.1, NM_001374402.1, NM_001374403.1 and 3 more transcripts); c.23G>T, p.Gly8Val (NM_001379409.1); short protein forms G8V, G9V, G10V, G23V.
Identifiers: ClinVar variation 2988111 (VCV002988111.4), dbSNP rs539980485, ClinGen allele CA2881246.
Genomic context (GRCh38, chr4:26,386,361, plus strand): 5'-AGTGTATCATAAAGCTTACTTAACTTTATTTTCTTTATTTTTTTTTTTCCAGGAAATTTG[G>T]TGAGCGGCCTCCACCTAAACGACTTACTAGGTGAGTATTATATTAGTCAGCTTTTTACAC-3'
Protein context (NP_056958.3, residues 1-20): MAPVVTGKF[Gly10Val]ERPPPKRLTR